The following is an entry in ClinVar:

ClinVar aggregate classification (germline): Uncertain significance. Review status: criteria provided, multiple submitters, no conflicts (2 of 4 stars). 2 submissions from 2 submitters: Uncertain significance (2). Last evaluated 2024-11-21.

Conditions:
Intellectual disability, autosomal recessive 53 (NEDHSCA). Also called: Mental retardation, autosomal recessive 53; NEURODEVELOPMENTAL DISORDER WITH OR WITHOUT HYPOTONIA, SEIZURES, AND CEREBELLAR ATROPHY; GLYCOSYLPHOSPHATIDYLINOSITOL BIOSYNTHESIS DEFECT 13. Identifiers: Orphanet 488635, MedGen C4310794, MONDO:0014832, OMIM 616917.

Allele frequency attached by ClinVar (database versions not stated): gnomAD 0.00001; gnomAD exomes 0.00002 and 0.00005; TOPMed 0.00002; ExAC 0.00003; ESP Exome Variant Server 0.00008.
gnomAD v4.1: 76 of 1,612,842 alleles (0.0047%); highest among the groups gnomAD compares: Middle Eastern, 0.033%; no homozygotes.

Submissions (2):

Blueprint Genetics
Classification: Uncertain significance. Last evaluated: 2024-11-21. Review status: criteria provided, single submitter. Criteria: ACMG Guidelines, 2015. Collection method: clinical testing. Allele origin: germline.

Labcorp Genetics (formerly Invitae), Labcorp
Classification: Uncertain significance for Intellectual disability, autosomal recessive 53. Last evaluated: 2022-08-16. Review status: criteria provided, single submitter. Criteria: Invitae Variant Classification Sherloc (09022015). Collection method: clinical testing. Allele origin: germline.
Comment: This sequence change replaces glutamic acid, which is acidic and polar, with lysine, which is basic and polar, at codon 283 of the PIGG protein (p.Glu283Lys). This variant is present in population databases (rs374780994, gnomAD 0.005%). This variant has not been reported in the literature in individuals affected with PIGG-related conditions. ClinVar contains an entry for this variant (Variation ID: 572292). Algorithms developed to predict the effect of missense changes on protein structure and function (SIFT, PolyPhen-2, Align-GVGD) all suggest that this variant is likely to be tolerated. In summary, the available evidence is currently insufficient to determine the role of this variant in disease. Therefore, it has been classified as a Variant of Uncertain Significance.

NM_001127178.3(PIGG):c.847G>A (p.Glu283Lys)

Gene: PIGG (phosphatidylinositol glycan anchor biosynthesis class G (EMM blood group); plus strand). Cytogenetic location: 4p16.3.
Variant type: single nucleotide variant.
Coding change: c.847G>A on transcript NM_001127178.3 (MANE Select); coding-DNA position 847, G replaced by A.
Protein change: p.Glu283Lys; replaces glutamic acid 283 with lysine.
Molecular consequence: missense variant. On other transcripts: 5 prime UTR variant (3), non-coding transcript variant (10), intron variant (1).
Genome position (GRCh38, 1-based): chr4:508,916, G>A. VCF-style: chr4-508916-G-A. GRCh37 (hg19) VCF-style: chr4-502705-G-A.
Other names: c.580G>A, p.Glu194Lys (NM_001289051.2, NM_001289053.2, NM_001289057.2 and 2 more transcripts); c.448G>A, p.Glu150Lys (NM_001289052.2); c.481G>A, p.Glu161Lys (NM_001289055.2); c.847G>A, p.Glu283Lys (NM_001345989.2, NM_017733.5); c.-779G>A (NM_001345990.2); c.-641G>A (NM_001345991.2); c.-366G>A (NM_001345994.2); c.-129+1323G>A (NM_001345988.2); short protein forms E283K, E150K, E194K, E161K.
Identifiers: ClinVar variation 572292 (VCV000572292.5), dbSNP rs374780994, ClinGen allele CA2793117.
Genomic context (GRCh38, chr4:508,916, plus strand): 5'-CTGGTTCTTTGTGGTGACCATGGCATGTCTGAAACAGGAAGTCACGGGGCCTCCTCCACC[G>A]AGGAGGTGAATACACCTCTGATTTTAATCAGTTCTGCGTTTGAAAGGAAACCCGGTGAGA-3'
Protein context (NP_001120650.1, residues 273-293): ETGSHGASST[Glu283Lys]EVNTPLILIS